The following is an entry in ClinVar:

ClinVar aggregate classification (germline): Uncertain significance (1 of 4 stars; one submission).

Conditions:
Evans syndrome, immunodeficiency, and premature immunosenescence associated with tripeptidyl-peptidase II deficiency. Identifiers: MedGen CN231723. Disease mechanism: loss of function.

gnomAD v4.1: 1 of 1,600,562 alleles (0.000062%); highest among the groups gnomAD compares: East Asian, 0.0022%; no homozygotes.

Submission:

Labcorp Genetics (formerly Invitae), Labcorp
Classification: Uncertain significance for Evans syndrome, immunodeficiency, and premature immunosenescence associated with tripeptidyl-peptidase II deficiency. Last evaluated: 2025-04-07. Review status: criteria provided, single submitter. Criteria: Invitae Variant Classification Sherloc (09022015). Collection method: clinical testing. Allele origin: germline.
Comment: This sequence change replaces alanine, which is neutral and non-polar, with valine, which is neutral and non-polar, at codon 1185 of the TPP2 protein (p.Ala1185Val). This variant is not present in population databases (gnomAD no frequency). This variant has not been reported in the literature in individuals affected with TPP2-related conditions. ClinVar contains an entry for this variant (Variation ID: 3619715). An algorithm developed to predict the effect of missense changes on protein structure and function (PolyPhen-2) suggests that this variant is likely to be tolerated. In summary, the available evidence is currently insufficient to determine the role of this variant in disease. Therefore, it has been classified as a Variant of Uncertain Significance.

NM_001330588.2(TPP2):c.3593C>T (p.Ala1198Val)

Gene: TPP2 (tripeptidyl peptidase 2; plus strand). Cytogenetic location: 13q33.1.
Variant type: single nucleotide variant.
Coding change: c.3593C>T on transcript NM_001330588.2 (MANE Select); coding-DNA position 3593, C replaced by T.
Protein change: p.Ala1198Val; replaces alanine 1198 with valine.
Molecular consequence: missense variant. On other transcripts: non-coding transcript variant (1).
Genome position (GRCh38, 1-based): chr13:102,676,309, C>T. VCF-style: chr13-102676309-C-T. GRCh37 (hg19) VCF-style: chr13-103328659-C-T.
Other names: c.3680C>T, p.Ala1227Val (NM_001367947.1); c.3554C>T, p.Ala1185Val (NM_003291.4); short protein forms A1185V, A1198V, A1227V.
Identifiers: ClinVar variation 3619715 (VCV003619715.2).